The following is an entry in ClinVar:

ClinVar aggregate classification (germline): Uncertain significance. Review status: criteria provided, multiple submitters, no conflicts (2 of 4 stars). 5 submissions from 5 submitters: Uncertain significance (5). Last evaluated 2025-02-21.

Conditions:
Cardiovascular phenotype. Identifiers: MedGen CN230736.
Arrhythmogenic right ventricular dysplasia 5. Also called: Arrhythmogenic Right Ventricular Dysplasia/Cardiomyopathy 5; ARRHYTHMOGENIC RIGHT VENTRICULAR DYSPLASIA, FAMILIAL, 5. Identifiers: MedGen C1858379, MONDO:0011459, OMIM 604400.

Allele frequency attached by ClinVar (database versions not stated): gnomAD 0.00002; TOPMed 0.00002.
gnomAD v4.1: 5 of 1,611,820 alleles (0.00031%); highest among the groups gnomAD compares: African/African-American, 0.0067%; no homozygotes.

Submissions (5):

GeneDx
Classification: Uncertain significance. Last evaluated: 2025-02-21. Review status: criteria provided, single submitter. Criteria: GeneDx Variant Classification Process June 2021. Collection method: clinical testing. Allele origin: germline. Affected: yes.
Comment: Not observed at significant frequency in large population cohorts (gnomAD); Canonical splice site variant with an unclear effect on protein function; Has not been previously published as pathogenic or benign to our knowledge

Labcorp Genetics (formerly Invitae), Labcorp
Classification: Uncertain significance for Arrhythmogenic right ventricular dysplasia 5. Last evaluated: 2025-02-18. Review status: criteria provided, single submitter. Criteria: Invitae Variant Classification Sherloc (09022015). Collection method: clinical testing. Allele origin: germline.
Comment: This sequence change affects an acceptor splice site in intron 8 of the TMEM43 gene. It is expected to disrupt RNA splicing. Variants that disrupt the donor or acceptor splice site typically lead to a loss of protein function (PMID: 16199547), however the current clinical and genetic evidence is not sufficient to establish whether loss-of-function variants in TMEM43 cause disease. This variant is present in population databases (rs764377071, gnomAD 0.02%). This variant has not been reported in the literature in individuals affected with TMEM43-related conditions. ClinVar contains an entry for this variant (Variation ID: 1756961). Algorithms developed to predict the effect of sequence changes on RNA splicing suggest that this variant may disrupt the consensus splice site. In summary, the available evidence is currently insufficient to determine the role of this variant in disease. Therefore, it has been classified as a Variant of Uncertain Significance.

Women's Health and Genetics/Laboratory Corporation of America, LabCorp
Classification: Uncertain significance. Last evaluated: 2024-05-08. Review status: criteria provided, single submitter. Criteria: LabCorp Variant Classification Summary - May 2015. Collection method: clinical testing. Allele origin: germline.
Comment: Variant summary: TMEM43 c.706-1G>T is located in a canonical splice-site and is predicted to affect mRNA splicing resulting in a significantly altered protein due to either exon skipping, shortening, or inclusion of intronic material. Several computational tools predict a significant impact on normal splicing: Four predict the variant abolishes a 3' acceptor site. Four predict the variant abolishes a cryptic 5' donor site. However, these predictions have yet to be confirmed by functional studies. The variant allele was found at a frequency of 8e-06 in 249532 control chromosomes. The available data on variant occurrences in the general population are insufficient to allow any conclusion about variant significance. To our knowledge, no occurrence of c.706-1G>T in individuals affected with Arrhythmogenic Right Ventricular Dysplasia/Cardiomyopathy and no experimental evidence demonstrating its impact on protein function have been reported. At this time, there is not enough evidence to establish loss-of function mechanism of disease for this gene. ClinVar contains an entry for this variant (Variation ID: 1756961). Based on the evidence outlined above, the variant was classified as uncertain significance.

All of Us Research Program, National Institutes of Health
Classification: Uncertain significance for Arrhythmogenic right ventricular dysplasia 5. Last evaluated: 2023-03-23. Review status: criteria provided, single submitter. Criteria: ACMG Guidelines, 2015. Collection method: clinical testing. Allele origin: germline. Inheritance: Autosomal dominant inheritance. Observed: 2 variant alleles, 2 heterozygotes.
Comment: This variant causes a G to T nucleotide substitution at the -1 position of intron 8 of the TMEM43 gene. Splice prediction tools suggest that this variant may disrupt RNA splicing. To our knowledge, functional studies have not been reported for this variant. This variant has not been reported in individuals affected with cardiovascular disorders in the literature. This variant has been identified in 4/280896 chromosomes in the general population by the Genome Aggregation Database (gnomAD). Clinical relevance of loss-of-function truncation and splice variants in the TMEM43 gene is not clearly established. The available evidence is insufficient to determine the role of this variant in disease conclusively. Therefore, this variant is classified as a Variant of Uncertain Significance.

This study involves interpretation of variants in research participants for the purpose of population health screening. Participant phenotype was not available at the time of variant classification. Additional details can be found in publication PMID: 35346344, PMCID: PMC8962531

Ambry Genetics
Classification: Uncertain significance for Cardiovascular phenotype. Last evaluated: 2022-06-01. Review status: criteria provided, single submitter. Criteria: Ambry Variant Classification Scheme 2023. Collection method: clinical testing. Allele origin: germline.
Comment: The c.706-1G>T intronic variant results from a G to T substitution one nucleotide upstream from coding exon 9 of the TMEM43 gene. This nucleotide position is highly conserved in available vertebrate species. In silico splice site analysis predicts that this alteration will weaken the native splice acceptor site. Alterations that disrupt the canonical splice site are expected to cause aberrant splicing, resulting in an abnormal protein or a transcript that is subject to nonsense-mediated mRNA decay. However, loss of function of TMEM43 has not been clearly established as a mechanism of disease. Since supporting evidence is limited at this time, the clinical significance of this alteration remains unclear.

Literature cited by the submitters: PubMed 16199547 (cited by Labcorp Genetics (formerly Invitae), Labcorp).

NM_024334.3(TMEM43):c.706-1G>T

Gene: TMEM43 (transmembrane protein 43; plus strand). Cytogenetic location: 3p25.1.
Variant type: single nucleotide variant.
Coding change: c.706-1G>T on transcript NM_024334.3 (MANE Select); the canonical splice acceptor site of the intron before coding-DNA position 706, G replaced by T.
Molecular consequence: splice acceptor variant. On other transcripts: intron variant (1).
Genome position (GRCh38, 1-based): chr3:14,135,157, G>T. VCF-style: chr3-14135157-G-T. GRCh37 (hg19) VCF-style: chr3-14176657-G-T.
Other names: c.709-1G>T (NM_001407274.1); c.706-1G>T (NM_001407276.1, NM_001407275.1, NM_001407277.1); c.705+266G>T (NM_001407279.1); c.691-1G>T (NM_001407278.1); c.556-1G>T (NM_001407280.1).
Identifiers: ClinVar variation 1756961 (VCV001756961.10), dbSNP rs764377071, ClinGen allele CA055046.